The following is an entry in ClinVar:

ClinVar aggregate classification (germline): Uncertain significance. Review status: criteria provided, multiple submitters, no conflicts (2 of 4 stars). 7 submissions from 7 submitters: Uncertain significance (4). 3 of the submissions do not count toward it. Last evaluated 2026-06-15.

Conditions:
TTN-related disorder. Also called: TTN-related disorders; TTN-related condition; TTN-related disease.
Autosomal recessive limb-girdle muscular dystrophy type 2J (LGMDR10). Also called: Limb-girdle muscular dystrophy, type 2J; MUSCULAR DYSTROPHY, LIMB-GIRDLE, AUTOSOMAL RECESSIVE 10. Identifiers: Orphanet 140922, MedGen C1837342, MONDO:0012127, OMIM 608807.
Dilated cardiomyopathy 1G (CMD1G). Identifiers: Orphanet 154, MedGen C1858763, MONDO:0011400, OMIM 604145.

Allele frequency attached by ClinVar (database versions not stated): TOPMed 0.00001; ExAC 0.00002; gnomAD exomes 0.00002.
gnomAD v4.1: 30 of 1,613,068 alleles (0.0019%); highest among the groups gnomAD compares: African/African-American, 0.008%; no homozygotes.

Submissions (7):

PreventionGenetics, part of Exact Sciences
Classification: Uncertain significance for TTN-related condition. Last evaluated: 2026-06-15. Review status: criteria provided, single submitter. Criteria: ACMG Guidelines, 2015. Collection method: clinical testing. Allele origin: germline.
Comment: The TTN c.44222C>T variant is predicted to result in the amino acid substitution p.Thr14741Met. To our knowledge, this variant has not been reported in the literature. This variant is reported in 0.0098% of alleles in individuals of South Asian descent in gnomAD. At this time, the clinical significance of this variant is uncertain due to the absence of conclusive functional and genetic evidence.

Women's Health and Genetics/Laboratory Corporation of America, LabCorp
Classification: Uncertain significance. Last evaluated: 2025-07-18. Review status: criteria provided, single submitter. Criteria: LabCorp Variant Classification Summary - May 2015. Collection method: clinical testing. Allele origin: germline.
Comment: Variant summary: TTN NM_133378:c.36518C>T (p.Thr12173Met), also known as NM_001267550:c.44222C>T (p.Thr14741Met), results in a non-conservative amino acid change in the encoded protein sequence. Algorithms developed to predict the effect of missense changes on protein structure and function are either unavailable or do not agree on the potential impact of this missense change. The variant allele was found at a frequency of 2.4e-05 in 248476 control chromosomes. The available data on variant occurrences in the general population are insufficient to allow any conclusion about variant significance. To our knowledge, no occurrence of c.36518C>T in individuals affected with Dilated Cardiomyopathy and no experimental evidence demonstrating its impact on protein function have been reported. ClinVar contains an entry for this variant (Variation ID: 404979). Based on the evidence outlined above, the variant was classified as uncertain significance.

Revvity Omics, Revvity
Classification: Uncertain significance. Last evaluated: 2023-09-06. Review status: criteria provided, single submitter. Criteria: ACMG Guidelines, 2015. Collection method: clinical testing. Allele origin: germline.

Labcorp Genetics (formerly Invitae), Labcorp
Classification: Uncertain significance for Dilated cardiomyopathy 1G; Autosomal recessive limb-girdle muscular dystrophy type 2J. Last evaluated: 2017-05-16. Review status: criteria provided, single submitter. Criteria: Invitae Variant Classification Sherloc (09022015). Collection method: clinical testing. Allele origin: germline.

Clinical Genetics DNA and cytogenetics Diagnostics Lab, Erasmus MC, Erasmus Medical Center
Classification: Uncertain significance. Review status: no assertion criteria provided. Collection method: clinical testing. Allele origin: germline. Affected: yes. Study: VKGL Data-share Consensus. Not counted in ClinVar's aggregate classification.

Clinical Genetics, Academic Medical Center
Classification: Uncertain significance. Review status: no assertion criteria provided. Collection method: clinical testing. Allele origin: germline. Affected: yes. Study: VKGL Data-share Consensus. Not counted in ClinVar's aggregate classification.

Diagnostic Laboratory, Department of Genetics, University Medical Center Groningen
Classification: Uncertain significance. Review status: no assertion criteria provided. Collection method: clinical testing. Allele origin: germline. Affected: yes. Study: VKGL Data-share Consensus. Not counted in ClinVar's aggregate classification.

NM_001267550.2(TTN):c.44222C>T (p.Thr14741Met)

Gene: TTN (titin; minus strand). Cytogenetic location: 2q31.2.
Variant type: single nucleotide variant.
Coding change: c.44222C>T on transcript NM_001267550.2 (MANE Select); coding-DNA position 44222, C replaced by T.
Protein change: p.Thr14741Met; replaces threonine 14741 with methionine.
Molecular consequence: missense variant.
Genome position (GRCh38, 1-based): chr2:178,630,300, G>A on the plus strand (C>T on the coding strand, the complement: TTN is on the minus strand). VCF-style: chr2-178630300-G-A. GRCh37 (hg19) VCF-style: chr2-179495027-G-A.
Other names: c.39299C>T, p.Thr13100Met (NM_001256850.1); c.17027C>T, p.Thr5676Met (NM_003319.4); c.36518C>T, p.Thr12173Met (NM_133378.4); c.17402C>T, p.Thr5801Met (NM_133432.3); c.17603C>T, p.Thr5868Met (NM_133437.4); short protein forms T14741M, T13100M, T12173M, T5676M, T5801M, T5868M.
Identifiers: ClinVar variation 404979 (VCV000404979.12), dbSNP rs778576436, ClinGen allele CA1995716.